The following is an entry in ClinVar:

NM_000492.4(CFTR):c.4025G>A (p.Gly1342Glu)

Gene: CFTR (CF transmembrane conductance regulator; plus strand). Cytogenetic location: 7q31.2.
Variant type: single nucleotide variant.
Coding change: c.4025G>A on transcript NM_000492.4 (MANE Select); coding-DNA position 4025, G replaced by A.
Protein change: p.Gly1342Glu; replaces glycine 1342 with glutamic acid.
Molecular consequence: missense variant.
Genome position (GRCh38, 1-based): chr7:117,664,749, G>A. VCF-style: chr7-117664749-G-A. GRCh37 (hg19) VCF-style: chr7-117304803-G-A.
Other names: short protein forms G1342E.
Identifiers: ClinVar variation 2920859 (VCV002920859.1), dbSNP rs1245455454, ClinGen allele CA368982319.

ClinVar aggregate classification (germline): Uncertain significance (1 of 4 stars; one submission).

Submission:

ARUP Laboratories, Molecular Genetics and Genomics, ARUP Laboratories
Classification: Uncertain significance. Last evaluated: 2022-12-23. Review status: criteria provided, single submitter. Criteria: ARUP Molecular Germline Variant Investigation Process 2024. Collection method: clinical testing. Allele origin: germline.
Comment: The CFTR c.4025G>A; p.Gly1342Glu variant (rs1245455454), to our knowledge, is not reported in the medical literature or gene specific databases. This variant is also absent from the Genome Aggregation Database, indicating it is not a common polymorphism. Computational analyses predict that this variant is deleterious (REVEL: 0.844). Due to limited information, the clinical significance of this variant is uncertain at this time.